The following is an entry in ClinVar:

NM_001378454.1(ALMS1):c.11272_11274del (p.Thr3758del)

Gene: ALMS1 (ALMS1 centrosome and basal body associated protein; plus strand). Cytogenetic location: 2p13.1.
Variant type: Deletion.
Coding change: c.11272_11274del on transcript NM_001378454.1 (MANE Select); coding-DNA positions 11272 to 11274, 3 bases deleted (ACT; older notation c.11272_11274delACT).
Protein change: p.Thr3758del; deletes threonine 3758.
Molecular consequence: inframe deletion.
Genome position (GRCh38, 1-based): chr2:73,573,149-73,573,151, ACT deleted. VCF-style (leftmost placement, unchanged base first): chr2-73573148-CACT-C. GRCh37 (hg19) VCF-style: chr2-73800275-CACT-C.
Other names: c.11275_11277del, p.Thr3759del (NM_015120.4); c.11275_11277delACT (NM_015120.4); short protein forms T3759del, T3758del.
Identifiers: ClinVar variation 4984553 (VCV004984553.1).
Genomic context (GRCh38, chr2:73,573,148, plus strand): 5'-TCGGCCCTCAGAGGAGAGTGAGCTGCTCACAGATACTACCACCAACATCCTTTCCGGCAC[CACT>C]TCTACTGTCGAATCAGATATATTGACCCAAACAGATAGAGAGGTGGCTCTGCACGAAAGG-3'

ClinVar aggregate classification (germline): Uncertain significance (1 of 4 stars; one submission).

Conditions:
ALMS1-related disorder. Also called: ALMS1-related condition.

Submission:

PreventionGenetics, part of Exact Sciences
Classification: Uncertain significance for ALMS1-related condition. Last evaluated: 2025-10-16. Review status: criteria provided, single submitter. Criteria: ACMG Guidelines, 2015. Collection method: clinical testing. Allele origin: germline.
Comment: The ALMS1 c.11275_11277delACT variant is predicted to result in an in-frame deletion (p.Thr3759del). To our knowledge, this variant has not been reported in the literature or in a large population database (gnomAD), indicating this variant is rare. At this time, the clinical significance of this variant is uncertain due to the absence of conclusive functional and genetic evidence.